The following is an entry in ClinVar:

ClinVar aggregate classification (germline): Uncertain significance. Review status: criteria provided, multiple submitters, no conflicts (2 of 4 stars). 2 submissions from 2 submitters: Uncertain significance (2). Last evaluated 2025-10-01.

Conditions:
Inborn genetic diseases. Identifiers: MedGen C0950123, MeSH D030342.

gnomAD v4.1: 2 of 1,613,828 alleles (0.00012%); highest among the groups gnomAD compares: Non-Finnish European, 0.00017%; no homozygotes.

Submissions (2):

CeGaT Center for Human Genetics Tuebingen
Classification: Uncertain significance. Last evaluated: 2025-10-01. Review status: criteria provided, single submitter. Criteria: CeGaT Center For Human Genetics Tuebingen Variant Classification Criteria Version 2. Collection method: clinical testing. Allele origin: germline. Affected: yes. Observed: 1 variant allele.
Comment: DNAH17: PM2

Ambry Genetics
Classification: Uncertain significance for Inborn genetic diseases. Last evaluated: 2024-08-19. Review status: criteria provided, single submitter. Criteria: Ambry Variant Classification Scheme 2023. Collection method: clinical testing. Allele origin: germline.

NM_173628.4(DNAH17):c.6143T>A (p.Met2048Lys)

Genes: DNAH17 (dynein axonemal heavy chain 17; minus strand), DNAH17-AS1 (DNAH17 antisense RNA 1; plus strand). Cytogenetic location: 17q25.3.
Variant type: single nucleotide variant.
Coding change: c.6143T>A on transcript NM_173628.4 (MANE Select); coding-DNA position 6143, T replaced by A.
Protein change: p.Met2048Lys; replaces methionine 2048 with lysine.
Molecular consequence: missense variant.
Genome position (GRCh38, 1-based): chr17:78,494,720, A>T on the plus strand (T>A on the coding strand, the complement: DNAH17 is on the minus strand). VCF-style: chr17-78494720-A-T. GRCh37 (hg19) VCF-style: chr17-76490802-A-T.
Other names: short protein forms M2048K.
Identifiers: ClinVar variation 3503316 (VCV003503316.7).
Genomic context (GRCh38, chr17:78,494,720, plus strand): 5'-ATGAATACGGGCAGGTCGTCTGTCACAATCTTGGGGATGTTGAAGTCTCTCAGCGCCCGC[A>T]TGAGCACCTGGTCCTCTGCCCGGCTGGGGTCGCCCCTCTTCAGGGAGCCGGCCACCACCA-3'
Protein context (NP_775899.3, residues 2038-2058): DPSRAEDQVL[Met2048Lys]RALRDFNIPK